The following is an entry in ClinVar:

NM_006757.4(TNNT3):c.188G>C (p.Arg63Pro)

Gene: TNNT3 (troponin T3, fast skeletal type; plus strand). Cytogenetic location: 11p15.5.
Variant type: single nucleotide variant.
Coding change: c.188G>C on transcript NM_006757.4 (MANE Select); coding-DNA position 188, G replaced by C.
Protein change: p.Arg63Pro; replaces arginine 63 with proline.
Molecular consequence: missense variant. On other transcripts: 5 prime UTR variant (2).
Genome position (GRCh38, 1-based): chr11:1,933,737, G>C. VCF-style: chr11-1933737-G-C. GRCh37 (hg19) VCF-style: chr11-1954967-G-C.
Other names: c.131G>C, p.Arg44Pro (NM_001367850.1); c.-17G>C (NM_001367851.1, NM_001367852.1); c.164G>C, p.Arg55Pro (NM_001042780.3, NM_001042782.3, NM_001297646.2 and 2 more transcripts); c.182G>C, p.Arg61Pro (NM_001042781.3, NM_001367842.1, NM_001367843.1); c.197G>C, p.Arg66Pro (NM_001363561.2, NM_001367847.1); c.221G>C, p.Arg74Pro (NM_001367846.1); c.185G>C, p.Arg62Pro (NM_001367848.1); c.176G>C, p.Arg59Pro (NM_001367849.1); short protein forms R44P, R55P, R59P, R61P, R62P, R63P, R66P, R74P.
Identifiers: ClinVar variation 4852019 (VCV004852019.1).

ClinVar aggregate classification (germline): Likely pathogenic (1 of 4 stars; one submission).

Conditions:
Arthrogryposis, distal, type 2B2. Identifiers: MedGen C5193097, MONDO:0032750, OMIM 618435.

Submission:

Clinical Biomedical Laboratory, Shriners Hospital For Children - Canada
Classification: Likely pathogenic for Arthrogryposis, distal, type 2B2. Review status: criteria provided, single submitter. Criteria: ACMG Guidelines, 2015. Collection method: clinical testing. Allele origin: germline. Affected: yes.
Comment: This variant is absent in the Genome Aggregation Database (gnomAD v2.1.1), indicating it is very rare. Computational tools (REVEL: 0.96) suggest that the amino acid change is deleterious to protein function. Defects in this gene are associated with Arthrogryposis, distal, type 2B2, which corresponds to the clinical diagnosis of the proband. Based on the ACMG variant interpretation guidelines (criteria: PM2, PM5, PP3), the available evidence supports classification of this variant as likely pathogenic.